The following is an entry in ClinVar:

NM_000384.3(APOB):c.4157G>A (p.Arg1386Gln)

Gene: APOB (apolipoprotein B; minus strand). Cytogenetic location: 2p24.1.
Variant type: single nucleotide variant.
Coding change: c.4157G>A on transcript NM_000384.3 (MANE Select); coding-DNA position 4157, G replaced by A.
Protein change: p.Arg1386Gln; replaces arginine 1386 with glutamine.
Molecular consequence: missense variant.
Genome position (GRCh38, 1-based): chr2:21,013,219, C>T on the plus strand (G>A on the coding strand, the complement: APOB is on the minus strand). VCF-style: chr2-21013219-C-T. GRCh37 (hg19) VCF-style: chr2-21236091-C-T.
Other names: short protein forms R1386Q.
Identifiers: ClinVar variation 630310 (VCV000630310.13), dbSNP rs145007060, ClinGen allele CA060597.

ClinVar aggregate classification (germline): Benign. Review status: criteria provided, multiple submitters, no conflicts (2 of 4 stars). 3 submissions from 3 submitters: Benign (2). 1 of the submissions does not count toward it. Last evaluated 2026-01-21.

Conditions:
Hypercholesterolemia, autosomal dominant, type B (FHCL2). Also called: APOB-Related Familial Hypercholesterolemia, Autosomal Dominant; Hyperlipoproteinemia Type IIb; Familial Hypercholesterolemia Type B; APOLIPOPROTEIN B-100, FAMILIAL DEFECTIVE; APOLIPOPROTEIN B-100, FAMILIAL LIGAND-DEFECTIVE; Familial hypercholesterolemia 2. Identifiers: MedGen C1704417, MONDO:0007751, OMIM 144010.
Familial hypobetalipoproteinemia 1. Also called: APOB-Related Familial Hypobetalipoproteinemia; Hypobetalipoproteinemia, normotriglyceridemic; Acanthocytosis with hypobetalipoproteinemia. Identifiers: MedGen C4551990, MONDO:0014252, OMIM 615558.
Cardiovascular phenotype. Identifiers: MedGen CN230736.
APOB-related disorder. Also called: APOB-related disorders; APOB-related condition.

Allele frequency attached by ClinVar (database versions not stated): gnomAD exomes 0.00005 and 0.00019; gnomAD 0.00006 and 0.00009; ESP Exome Variant Server 0.00008; TOPMed 0.00015; ExAC 0.00019.
gnomAD v4.1: 85 of 1,614,122 alleles (0.0053%); highest among the groups gnomAD compares: East Asian, 0.13%; no homozygotes.

Submissions (3):

Labcorp Genetics (formerly Invitae), Labcorp
Classification: Benign for Familial hypobetalipoproteinemia 1; Hypercholesterolemia, autosomal dominant, type B. Last evaluated: 2026-01-21. Review status: criteria provided, single submitter. Criteria: Invitae Variant Classification Sherloc (09022015). Collection method: clinical testing. Allele origin: germline.

Ambry Genetics
Classification: Benign for Cardiovascular phenotype. Last evaluated: 2024-06-28. Review status: criteria provided, single submitter. Criteria: Ambry Variant Classification Scheme 2023. Collection method: clinical testing. Allele origin: germline.

PreventionGenetics, part of Exact Sciences
Classification: Likely benign for APOB-related condition. Last evaluated: 2023-06-30. Review status: no assertion criteria provided. Collection method: clinical testing. Allele origin: germline. Not counted in ClinVar's aggregate classification.
Comment: This variant is classified as likely benign based on ACMG/AMP sequence variant interpretation guidelines (Richards et al. 2015 PMID: 25741868, with internal and published modifications).